The following is an entry in ClinVar:

NM_025144.4(ALPK1):c.2042G>A (p.Gly681Asp)

Gene: ALPK1 (alpha kinase 1; plus strand). Cytogenetic location: 4q25.
Variant type: single nucleotide variant.
Coding change: c.2042G>A on transcript NM_025144.4 (MANE Select); coding-DNA position 2042, G replaced by A.
Protein change: p.Gly681Asp; replaces glycine 681 with aspartic acid.
Molecular consequence: missense variant.
Genome position (GRCh38, 1-based): chr4:112,431,589, G>A. VCF-style: chr4-112431589-G-A. GRCh37 (hg19) VCF-style: chr4-113352745-G-A.
Other names: c.2042G>A, p.Gly681Asp (NM_001102406.2); c.1808G>A, p.Gly603Asp (NM_001253884.2); short protein forms G681D, G603D.
Identifiers: ClinVar variation 2044008 (VCV002044008.15), dbSNP rs35519493, ClinGen allele CA3046848.

ClinVar aggregate classification (germline): Benign/Likely benign. Review status: criteria provided, multiple submitters, no conflicts (2 of 4 stars). 3 submissions from 3 submitters: Benign (2); Likely benign (1). Last evaluated 2026-09-01.

Allele frequency attached by ClinVar (database versions not stated): 1000 Genomes Project 30x 0.00281; 1000 Genomes Project 0.00300; TOPMed 0.00847; gnomAD 0.00909; ESP Exome Variant Server 0.00946; ExAC 0.01024; gnomAD exomes 0.01249.
gnomAD v4.1: 19,609 of 1,614,122 alleles (1.2%); highest among the groups gnomAD compares: Non-Finnish European, 1.4%; 154 homozygotes.

Submissions (3):

CeGaT Center for Human Genetics Tuebingen
Classification: Benign. Last evaluated: 2026-09-01. Review status: criteria provided, single submitter. Criteria: CeGaT Center For Human Genetics Tuebingen Variant Classification Criteria Version 2. Collection method: clinical testing. Allele origin: germline. Affected: yes. Observed: 3 variant alleles.
Comment: ALPK1: BP4, BS1, BS2

Women's Health and Genetics/Laboratory Corporation of America, LabCorp
Classification: Likely benign. Last evaluated: 2026-03-30. Review status: criteria provided, single submitter. Criteria: LabCorp Variant Classification Summary - May 2015. Collection method: clinical testing. Allele origin: germline.

Labcorp Genetics (formerly Invitae), Labcorp
Classification: Benign. Last evaluated: 2026-02-04. Review status: criteria provided, single submitter. Criteria: Invitae Variant Classification Sherloc (09022015). Collection method: clinical testing. Allele origin: germline.